The following is an entry in ClinVar:

ClinVar aggregate classification (germline): Likely benign (0 of 4 stars; one submission).

Conditions:
CTU2-related disorder. Also called: CTU2-related condition.

Submission:

PreventionGenetics, part of Exact Sciences
Classification: Likely benign for CTU2-related condition. Last evaluated: 2019-07-15. Review status: no assertion criteria provided. Collection method: clinical testing. Allele origin: germline.
Comment: This variant is classified as likely benign based on ACMG/AMP sequence variant interpretation guidelines (Richards et al. 2015 PMID: 25741868, with internal and published modifications).

NM_001012759.3(CTU2):c.736C>A (p.Arg246=)

Gene: CTU2 (cytosolic thiouridylase subunit 2; plus strand). Cytogenetic location: 16q24.3.
Variant type: single nucleotide variant.
Coding change: c.736C>A on transcript NM_001012759.3 (MANE Select); coding-DNA position 736, C replaced by A.
Protein change: p.Arg246=; no amino-acid change (arginine 246 retained).
Molecular consequence: synonymous variant.
Genome position (GRCh38, 1-based): chr16:88,712,904, C>A. VCF-style: chr16-88712904-C-A. GRCh37 (hg19) VCF-style: chr16-88779312-C-A.
Other names: c.736C>A, p.Arg246= (NM_001012762.3); c.949C>A, p.Arg317= (NM_001318507.2); c.475C>A, p.Arg159= (NM_001318513.2).
Identifiers: ClinVar variation 3049500 (VCV003049500.2), dbSNP rs767710092, ClinGen allele CA497363151.